The following is an entry in ClinVar:

NM_021098.3(CACNA1H):c.2967C>T (p.Ser989=)

Gene: CACNA1H (calcium voltage-gated channel subunit alpha1 H; plus strand). Cytogenetic location: 16p13.3.
Variant type: single nucleotide variant.
Coding change: c.2967C>T on transcript NM_021098.3 (MANE Select); coding-DNA position 2967, C replaced by T.
Protein change: p.Ser989=; no amino-acid change (serine 989 retained).
Molecular consequence: synonymous variant.
Genome position (GRCh38, 1-based): chr16:1,207,334, C>T. VCF-style: chr16-1207334-C-T. GRCh37 (hg19) VCF-style: chr16-1257334-C-T.
Other names: c.2967C>T, p.Ser989= (NM_001005407.2).
Identifiers: ClinVar variation 460074 (VCV000460074.38), dbSNP rs59090452, ClinGen allele CA7800531.
Genomic context (GRCh38, chr16:1,207,334, plus strand): 5'-GATCCTGACCCAGGAGGACTGGAACGTGGTCCTGTACAACGGCATGGCCTCCACCTCCTC[C>T]TGGGCCGCCCTCTACTTCGTGGCCCTCATGACCTTCGGCAACTATGTGCTCTTCAACCTG-3'
Protein context (NP_066921.2, residues 979-999): VLYNGMASTS[Ser989=]WAALYFVALM

ClinVar aggregate classification (germline): Benign/Likely benign. Review status: criteria provided, multiple submitters, no conflicts (2 of 4 stars). 5 submissions from 5 submitters: Benign (3); Likely benign (1). 1 of the submissions does not count toward it. Last evaluated 2026-05-01.

Conditions:
CACNA1H-related disorder.
Idiopathic generalized epilepsy. Also called: EIG; Generalised epilepsy. Identifiers: MedGen C0270850, MONDO:0005579, OMIM 600669.
Hyperaldosteronism, familial, type IV (HALD4). Also called: FH IV; ALDOSTERONISM, PRIMARY, AND HYPERTENSION. Identifiers: Orphanet 642671, MedGen C4310756, MONDO:0014875, OMIM 617027.

Allele frequency attached by ClinVar (database versions not stated): 1000 Genomes Project 30x 0.00125; 1000 Genomes Project 0.00140; TOPMed 0.00254; ESP Exome Variant Server 0.00304; gnomAD 0.00309 and 0.00320; gnomAD exomes 0.00349 and 0.00383; ExAC 0.00510.
gnomAD v4.1: 6,007 of 1,611,724 alleles (0.37%); highest among the groups gnomAD compares: Non-Finnish European, 0.44%; 13 homozygotes.

Submissions (5):

CeGaT Center for Human Genetics Tuebingen
Classification: Likely benign. Last evaluated: 2026-05-01. Review status: criteria provided, single submitter. Criteria: CeGaT Center For Human Genetics Tuebingen Variant Classification Criteria Version 2. Collection method: clinical testing. Allele origin: germline. Affected: yes. Observed: 6 variant alleles.
Comment: CACNA1H: BP4, BP7

Labcorp Genetics (formerly Invitae), Labcorp
Classification: Benign for Idiopathic generalized epilepsy; Hyperaldosteronism, familial, type IV. Last evaluated: 2026-01-19. Review status: criteria provided, single submitter. Criteria: Invitae Variant Classification Sherloc (09022015). Collection method: clinical testing. Allele origin: germline.

Athena Diagnostics
Classification: Benign. Last evaluated: 2017-12-30. Review status: criteria provided, single submitter. Criteria: Athena Diagnostics Criteria. Collection method: clinical testing. Allele origin: germline.

Breakthrough Genomics
Classification: Benign. Review status: criteria provided, single submitter. Criteria: ACMG Guidelines, 2015. Collection method: not provided. Allele origin: germline. Inheritance: Autosomal dominant inheritance. Affected: yes.

PreventionGenetics, part of Exact Sciences
Classification: Benign for CACNA1H-related condition. Last evaluated: 2019-08-30. Review status: no assertion criteria provided. Collection method: clinical testing. Allele origin: germline. Not counted in ClinVar's aggregate classification.
Comment: This variant is classified as benign based on ACMG/AMP sequence variant interpretation guidelines (Richards et al. 2015 PMID: 25741868, with internal and published modifications).